The following is an entry in ClinVar:

ClinVar aggregate classification (germline): Uncertain significance. Review status: criteria provided, multiple submitters, no conflicts (2 of 4 stars). 6 submissions from 6 submitters: Uncertain significance (6). Last evaluated 2026-05-19.

Conditions:
Hereditary breast ovarian cancer syndrome. Also called: Breast and ovarian cancer; Hereditary breast and/or ovarian cancer syndrome; BRCA1- and BRCA2-Associated Hereditary Breast and Ovarian Cancer; Hereditary breast and ovarian cancer syndrome; Hereditary breast and ovarian cancer syndrome (HBOC); Hereditary breast and ovarian cancer. Identifiers: Orphanet 145, MedGen C0677776, MeSH D061325, MONDO:0003582. Disease mechanism: loss of function.
Breast-ovarian cancer, familial, susceptibility to, 1 (BROVCA1). Also called: BRCA1 Hereditary Breast and Ovarian Cancer; OVARIAN CANCER, SUSCEPTIBILITY TO. Identifiers: Orphanet 145, MedGen C2676676, MONDO:0011450, OMIM 604370. Disease mechanism: loss of function.
Hereditary cancer-predisposing syndrome. Also called: Tumor predisposition; Hereditary Cancer Syndrome; Hereditary neoplastic syndrome; Neoplastic Syndromes, Hereditary. Identifiers: Orphanet 140162, MedGen C0027672, MeSH D009386, MONDO:0015356.

Allele frequency attached by ClinVar (database versions not stated): gnomAD 0.00001; gnomAD exomes 0.00001; TOPMed 0.00001; ESP Exome Variant Server 0.00008.

Submissions (6):

Women's Health and Genetics/Laboratory Corporation of America, LabCorp
Classification: Uncertain significance. Last evaluated: 2026-05-19. Review status: criteria provided, single submitter. Criteria: LabCorp Variant Classification Summary - May 2015. Collection method: clinical testing. Allele origin: germline.
Comment: Variant summary: BRCA1 c.4246G>A (p.Ala1416Thr) results in a non-conservative amino acid change in the encoded protein sequence. Algorithms developed to predict the effect of missense changes on protein structure and function are either unavailable or do not agree on the potential impact of this missense change. The variant was absent in 251434 control chromosomes. c.4246G>A has been observed in individual(s) affected with BRCA1-related conditions (Wan_2021). These report(s) do not provide unequivocal conclusions about association of the variant with disease. At least one functional study reports experimental evidence evaluating an impact on protein function and showed a damaging effect of this variant on homology directed repair (HDR) activity (e.g. Nagy_2023). HDR assays qualify as a recognized gold standard on the basis of updated guidance provided by the ClinGen Sequence Variant Interpretation (SVI) working group. The following publications have been ascertained in the context of this evaluation (PMID: 37917606, 32803532, 28781887). ClinVar contains an entry for this variant (Variation ID: 491073). Based on the evidence outlined above, the variant was classified as VUS-possibly pathogenic.

Labcorp Genetics (formerly Invitae), Labcorp
Classification: Uncertain significance for Hereditary breast ovarian cancer syndrome. Last evaluated: 2025-05-14. Review status: criteria provided, single submitter. Criteria: Invitae Variant Classification Sherloc (09022015). Collection method: clinical testing. Allele origin: germline.
Comment: This sequence change replaces alanine, which is neutral and non-polar, with threonine, which is neutral and polar, at codon 1416 of the BRCA1 protein (p.Ala1416Thr). This variant is not present in population databases (gnomAD no frequency). This variant has not been reported in the literature in individuals affected with BRCA1-related conditions. ClinVar contains an entry for this variant (Variation ID: 491073). Invitae Evidence Modeling of protein sequence and biophysical properties (such as structural, functional, and spatial information, amino acid conservation, physicochemical variation, residue mobility, and thermodynamic stability) indicates that this missense variant is expected to disrupt BRCA1 protein function with a positive predictive value of 80%. Experimental studies have shown that this missense change affects BRCA1 function (PMID: 28781887). In summary, the available evidence is currently insufficient to determine the role of this variant in disease. Therefore, it has been classified as a Variant of Uncertain Significance.

Ambry Genetics
Classification: Uncertain significance for Hereditary cancer-predisposing syndrome. Last evaluated: 2024-05-27. Review status: criteria provided, single submitter. Criteria: Ambry Variant Classification Scheme 2023. Collection method: clinical testing. Allele origin: germline.
Comment: The p.A1416T variant (also known as c.4246G>A), located in coding exon 11 of the BRCA1 gene, results from a G to A substitution at nucleotide position 4246. The alanine at codon 1416 is replaced by threonine, an amino acid with similar properties. This variant had 58.09% of wildtype activity in a transcription activation assay (Woods NT et al. NPJ Genom Med, 2016 Mar;1:). This amino acid position is highly conserved in available vertebrate species. In addition, the in silico prediction for this alteration is inconclusive. Based on the available evidence, the clinical significance of this variant remains unclear.

All of Us Research Program, National Institutes of Health
Classification: Uncertain significance for Breast-ovarian cancer, familial, susceptibility to, 1. Last evaluated: 2023-11-02. Review status: criteria provided, single submitter. Criteria: ACMG Guidelines, 2015. Collection method: clinical testing. Allele origin: germline. Inheritance: Autosomal dominant inheritance. Observed: 3 variant alleles, 3 heterozygotes.
Comment: This missense variant replaces alanine with threonine at codon 1416 of the BRCA1 protein. Computational prediction suggests that this variant may not impact protein structure and function (internally defined REVEL score threshold <= 0.5, PMID: 27666373).A functional study has reported that this variant does not significantly impact BRCA1 function in a transcription activation assay (PMID: 28781887, 29884841, 30765603). This variant has not been reported in individuals affected with hereditary cancer in the literature. This variant has not been identified in the general population by the Genome Aggregation Database (gnomAD). The available evidence is insufficient to determine the role of this variant in disease conclusively. Therefore, this variant is classified as a Variant of Uncertain Significance.

This study involves interpretation of variants in research participants for the purpose of population health screening. Participant phenotype was not available at the time of variant classification. Additional details can be found in publication PMID: 35346344, PMCID: PMC8962531

Color Diagnostics, LLC DBA Color Health
Classification: Uncertain significance for Hereditary cancer-predisposing syndrome. Last evaluated: 2023-10-20. Review status: criteria provided, single submitter. Criteria: ACMG Guidelines, 2015. Collection method: clinical testing. Allele origin: germline.
Comment: This missense variant replaces alanine with threonine at codon 1416 of the BRCA1 protein. Computational prediction suggests that this variant may not impact protein structure and function (internally defined REVEL score threshold <= 0.5, PMID: 27666373).A functional study has reported that this variant does not significantly impact BRCA1 function in a transcription activation assay (PMID: 28781887, 29884841, 30765603). This variant has not been reported in individuals affected with hereditary cancer in the literature. This variant has not been identified in the general population by the Genome Aggregation Database (gnomAD). The available evidence is insufficient to determine the role of this variant in disease conclusively. Therefore, this variant is classified as a Variant of Uncertain Significance.

Quest Diagnostics Nichols Institute San Juan Capistrano
Classification: Uncertain significance. Last evaluated: 2019-09-09. Review status: criteria provided, single submitter. Criteria: Quest Diagnostics criteria. Collection method: clinical testing. Allele origin: unknown.

Literature cited by the submitters: PubMed 28781887 (cited by 5 submitters); PubMed 32803532 (cited by Women's Health and Genetics/Laboratory Corporation of America, LabCorp); PubMed 37917606 (cited by Women's Health and Genetics/Laboratory Corporation of America, LabCorp); PubMed 29884841 (cited by All of Us Research Program, National Institutes of Health and Color Diagnostics, LLC DBA Color Health); PubMed 30765603 (cited by 3 submitters).

NM_007294.4(BRCA1):c.4246G>A (p.Ala1416Thr)

Gene: BRCA1 (BRCA1 DNA repair associated; minus strand). Cytogenetic location: 17q21.31.
Variant type: single nucleotide variant.
Coding change: c.4246G>A on transcript NM_007294.4 (MANE Select); coding-DNA position 4246, G replaced by A.
Protein change: p.Ala1416Thr; replaces alanine 1416 with threonine.
Molecular consequence: missense variant. On other transcripts: non-coding transcript variant (1).
Genome position (GRCh38, 1-based): chr17:43,082,515, C>T on the plus strand (G>A on the coding strand, the complement: BRCA1 is on the minus strand). VCF-style: chr17-43082515-C-T. GRCh37 (hg19) VCF-style: chr17-41234532-C-T.
Other names: c.4036G>A, p.Ala1346Thr (NM_001407902.1, NM_001407904.1, NM_001407906.1 and 9 more transcripts); c.3982G>A, p.Ala1328Thr (NM_001407921.1, NM_001407922.1, NM_001407923.1 and 7 more transcripts); c.4120G>A, p.Ala1374Thr (NM_001407940.1, NM_001407941.1, NM_001407649.1 and 12 more transcripts); c.4105G>A, p.Ala1369Thr (NM_001407942.1, NM_001407944.1, NM_001407945.1 and 23 more transcripts); c.4102G>A, p.Ala1368Thr (NM_001407943.1, NM_001407964.1, NM_001407748.1 and 23 more transcripts); c.3913G>A, p.Ala1305Thr (NM_001407946.1, NM_001407947.1, NM_001407948.1 and 3 more transcripts); c.3865G>A, p.Ala1289Thr (NM_001407959.1, NM_001407960.1); c.3862G>A, p.Ala1288Thr (NM_001407962.1, NM_001407963.1); and 51 more; short protein forms A1416T, A1369T, A313T, A266T, A273T, A286T, A311T, A547T.
Identifiers: ClinVar variation 491073 (VCV000491073.21), dbSNP rs370999077, ClinGen allele CA10593229.